The following is an entry in ClinVar:

NM_000836.4(GRIN2D):c.3298C>T (p.Pro1100Ser)

Gene: GRIN2D (glutamate ionotropic receptor NMDA type subunit 2D; plus strand). Cytogenetic location: 19q13.33.
Variant type: single nucleotide variant.
Coding change: c.3298C>T on transcript NM_000836.4 (MANE Select); coding-DNA position 3298, C replaced by T.
Protein change: p.Pro1100Ser; replaces proline 1100 with serine.
Molecular consequence: missense variant.
Genome position (GRCh38, 1-based): chr19:48,443,224, C>T. VCF-style: chr19-48443224-C-T. GRCh37 (hg19) VCF-style: chr19-48946481-C-T.
Other names: c.3298C>T (NM_000836.2); short protein forms P1100S.
Identifiers: ClinVar variation 1355437 (VCV001355437.9), dbSNP rs1246077605, ClinGen allele CA406675453.
Genomic context (GRCh38, chr19:48,443,224, plus strand): 5'-GGGGGCACGGGGGGCGCAGGCGGAGGAGCCCCGGCCGCTCCGCCCCCGTGCCGCGCCGCG[C>T]CGCCCCCGTGCCCTTACCTCGATCTCGAGCCGTCGCCGTCGGACTCGGAGGACTCGGAGA-3'
Protein context (NP_000827.2, residues 1090-1110): PAAPPPCRAA[Pro1100Ser]PPCPYLDLEP

ClinVar aggregate classification (germline): Uncertain significance. Review status: criteria provided, multiple submitters, no conflicts (2 of 4 stars). 2 submissions from 2 submitters: Uncertain significance (2). Last evaluated 2024-08-06.

Conditions:
Inborn genetic diseases. Identifiers: MedGen C0950123, MeSH D030342.

Allele frequency attached by ClinVar (database versions not stated): gnomAD exomes 0.00002.
gnomAD v4.1: 23 of 1,334,874 alleles (0.0017%); highest among the groups gnomAD compares: Non-Finnish European, 0.002%; no homozygotes.

Submissions (2):

Ambry Genetics
Classification: Uncertain significance for Inborn genetic diseases. Last evaluated: 2024-08-06. Review status: criteria provided, single submitter. Criteria: Ambry Variant Classification Scheme 2023. Collection method: clinical testing. Allele origin: germline.

Labcorp Genetics (formerly Invitae), Labcorp
Classification: Uncertain significance. Last evaluated: 2024-02-23. Review status: criteria provided, single submitter. Criteria: Invitae Variant Classification Sherloc (09022015). Collection method: clinical testing. Allele origin: germline.
Comment: This sequence change replaces proline, which is neutral and non-polar, with serine, which is neutral and polar, at codon 1100 of the GRIN2D protein (p.Pro1100Ser). The frequency data for this variant in the population databases is considered unreliable, as metrics indicate poor data quality at this position in the gnomAD database. This variant has not been reported in the literature in individuals affected with GRIN2D-related conditions. ClinVar contains an entry for this variant (Variation ID: 1355437). Advanced modeling of protein sequence and biophysical properties (such as structural, functional, and spatial information, amino acid conservation, physicochemical variation, residue mobility, and thermodynamic stability) performed at Invitae indicates that this missense variant is not expected to disrupt GRIN2D protein function with a negative predictive value of 95%. In summary, the available evidence is currently insufficient to determine the role of this variant in disease. Therefore, it has been classified as a Variant of Uncertain Significance.